The following is an entry in ClinVar:

ClinVar aggregate classification (germline): Conflicting classifications of pathogenicity. Review status: criteria provided, conflicting classifications (1 of 4 stars). 7 submissions from 7 submitters: Uncertain significance (4); Benign (1); Likely benign (1). 1 of the submissions does not count toward it. Last evaluated 2026-08-21.

Conditions:
Cardiovascular phenotype. Identifiers: MedGen CN230736.
Cutis laxa, autosomal recessive, type 1B (ARCL1B). Also called: CUTIS LAXA, AUTOSOMAL RECESSIVE, TYPE IB; EFEMP2-Related Cutis Laxa. Identifiers: Orphanet 90349, MedGen C3280798, MONDO:0013754, OMIM 614437. Disease mechanism: loss of function.

Allele frequency attached by ClinVar (database versions not stated): ESP Exome Variant Server 0.00015; gnomAD exomes 0.00017 and 0.00034; gnomAD 0.00019; ExAC 0.00022; TOPMed 0.00023.
gnomAD v4.1: 291 of 1,613,410 alleles (0.018%); highest among the groups gnomAD compares: Non-Finnish European, 0.0037%; no homozygotes.

Submissions (7):

GeneDx
Classification: Uncertain significance. Last evaluated: 2026-08-21. Review status: criteria provided, single submitter. Criteria: GeneDx Variant Classification Process June 2021. Collection method: clinical testing. Allele origin: germline.
Comment: In silico analysis supports that this missense variant has a deleterious effect on protein structure/function; Reported in a cohort of patients with severe chronic obstructive pulmonary disease in published literature (PMID: 30060175); This variant is associated with the following publications: (PMID: 30060175)

Women's Health and Genetics/Laboratory Corporation of America, LabCorp
Classification: Likely benign. Last evaluated: 2026-04-06. Review status: criteria provided, single submitter. Criteria: LabCorp Variant Classification Summary - May 2015. Collection method: clinical testing. Allele origin: germline.
Comment: Variant summary: EFEMP2 c.977G>A (p.Arg326His) results in a non-conservative amino acid change in the encoded protein sequence. Algorithms developed to predict the effect of missense changes on protein structure and function all suggest that this variant is likely to be disruptive. Several computational tools predict a significant impact on normal splicing: Two predict the variant weakens a 3' acceptor site. However, these predictions have yet to be confirmed by functional studies. The variant allele was found at a frequency of 0.00018 in 1613410 control chromosomes, predominantly at a frequency of 0.0073 within the Ashkenazi Jewish subpopulation in the gnomAD database. The observed variant frequency within Ashkenazi Jewish control individuals in the gnomAD database exceeds the estimated maximal expected allele frequency for disease-causing variants in EFEMP2. c.977G>A has been observed in an individual affected with chronic obstructive pulmonary disease (Qiao_2018). This report does not provide unequivocal conclusions about association of the variant with EFEMP2-related conditions. To our knowledge, no experimental evidence demonstrating an impact on protein function has been reported. The following publication has been ascertained in the context of this evaluation (PMID: 30060175). ClinVar contains an entry for this variant (Variation ID: 305378). Based on the evidence outlined above, the variant was classified as likely benign.

Labcorp Genetics (formerly Invitae), Labcorp
Classification: Benign for Cutis laxa, autosomal recessive, type 1B. Last evaluated: 2026-02-04. Review status: criteria provided, single submitter. Criteria: Invitae Variant Classification Sherloc (09022015). Collection method: clinical testing. Allele origin: germline.

Ambry Genetics
Classification: Uncertain significance for Cardiovascular phenotype. Last evaluated: 2024-08-15. Review status: criteria provided, single submitter. Criteria: Ambry Variant Classification Scheme 2023. Collection method: clinical testing. Allele origin: germline.
Comment: The p.R326H variant (also known as c.977G>A), located in coding exon 9 of the EFEMP2 gene, results from a G to A substitution at nucleotide position 977. The arginine at codon 326 is replaced by histidine, an amino acid with highly similar properties. This amino acid position is highly conserved in available vertebrate species. In addition, this alteration is predicted to be deleterious by in silico analysis. Since supporting evidence is limited at this time, the clinical significance of this alteration remains unclear.

CeGaT Center for Human Genetics Tuebingen
Classification: Uncertain significance. Last evaluated: 2020-10-01. Review status: criteria provided, single submitter. Criteria: CeGaT Center For Human Genetics Tuebingen Variant Classification Criteria Version 2. Collection method: clinical testing. Allele origin: germline. Affected: yes. Observed: 2 variant alleles.

Illumina Laboratory Services, Illumina
Classification: Uncertain significance for Cutis laxa, autosomal recessive, type 1B. Last evaluated: 2018-01-13. Review status: criteria provided, single submitter. Criteria: ICSL Variant Classification Criteria 13 December 2019. Collection method: clinical testing. Allele origin: germline.

Department of Pathology and Laboratory Medicine, Sinai Health System
Classification: Uncertain significance. Review status: no assertion criteria provided. Collection method: clinical testing. Allele origin: unknown. Affected: yes. Study: The Canadian Open Genetics Repository (COGR). Not counted in ClinVar's aggregate classification.
Comment: The EFEMP2 p.(Arg326His) variant was not identified in the literature. The variant was found in dbSNP (ID: rs141868759) as "With Uncertain significance allele". ClinVar (the variant is classifed as a VUS, submitted by: Illumina Clinical Services Laboratory, Praxis fuer Humangenetik Tuebingen and Invitae. Associated conditions are Cutis laxa (recessive) and autosomal recessive cutis laxa type 1B.), Clinvitae (variant has been classified as a Variant of Uncertain Significance). Cosmic (FATHMM prediction Pathogenic (score 0.81)) and LOVD 3.0 (variant is listed with unknown effect), databases. The variant was identified in control databases in 86 of 281156 chromosomes at a frequency of 0.000306 (Genome Aggregation Database Feb 27, 2017). The variant was observed in the following populations: Ashkenazi Jewish in 76 of 10294 chromosomes (freq: 0.007383), Other in 2 of 7172 chromosomes (freq: 0.000279), European (non-Finnish) in 7 of 128034 chromosomes (freq: 0.000055) and Latino in 1 of 35340 chromosomes (freq: 0.000028); it was not observed in the African, East Asian, European (Finnish) and South Asian populations. The p.Arg326 residue is conserved across mammals and other organisms, and four out of five computational analyses (PolyPhen-2, SIFT, AlignGVGD, BLOSUM, MutationTaster) suggest that the R variant may impact the protein; however, this information is not predictive enough to assume pathogenicity. The p.(Arg326His) variant occurs in the last three bases of the exon. This position has been shown to be part of the splicing consensus sequence and variants involving this position sometimes affect splicing. However, in silico or computational prediction software programs (SpliceSiteFinder, MaxEntScan, NNSPLICE, GeneSplicer) do not predict a difference in splicing. In summary, based on the above information the clinical significance of this variant cannot be determined with certainty at this time. This variant is classified as a variant of uncertain significance.

Literature cited by the submitters: PubMed 30060175 (cited by Women's Health and Genetics/Laboratory Corporation of America, LabCorp).

NM_016938.5(EFEMP2):c.977G>A (p.Arg326His)

Gene: EFEMP2 (EGF-like fibulin extracellular matrix protein 2; minus strand). Cytogenetic location: 11q13.1.
Variant type: single nucleotide variant.
Coding change: c.977G>A on transcript NM_016938.5 (MANE Select); coding-DNA position 977, G replaced by A.
Protein change: p.Arg326His; replaces arginine 326 with histidine.
Molecular consequence: missense variant. On other transcripts: non-coding transcript variant (1).
Genome position (GRCh38, 1-based): chr11:65,868,054, C>T on the plus strand (G>A on the coding strand, the complement: EFEMP2 is on the minus strand). VCF-style: chr11-65868054-C-T. GRCh37 (hg19) VCF-style: chr11-65635525-C-T.
Other names: short protein forms R326H.
Identifiers: ClinVar variation 305378 (VCV000305378.65), dbSNP rs141868759, ClinGen allele CA6110443.